The following is an entry in ClinVar:

ClinVar aggregate classification (germline): Likely benign. Review status: criteria provided, multiple submitters, no conflicts (2 of 4 stars). 3 submissions from 3 submitters: Likely benign (2). 1 of the submissions does not count toward it. Last evaluated 2021-11-01.

Conditions:
SIM1-related disorder. Also called: SIM1-related condition; SIM1-related disorders.

Allele frequency attached by ClinVar (database versions not stated): ExAC 0.00010; gnomAD exomes 0.00012 and 0.00033; 1000 Genomes Project 30x 0.00016; gnomAD 0.00019 and 0.00020; ESP Exome Variant Server 0.00023; TOPMed 0.00029.
gnomAD v4.1: 539 of 1,614,026 alleles (0.033%); highest among the groups gnomAD compares: Non-Finnish European, 0.041%; no homozygotes.

Submissions (3):

CeGaT Center for Human Genetics Tuebingen
Classification: Likely benign. Last evaluated: 2021-11-01. Review status: criteria provided, single submitter. Criteria: CeGaT Center For Human Genetics Tuebingen Variant Classification Criteria Version 2. Collection method: clinical testing. Allele origin: germline. Affected: yes. Observed: 1 variant allele.

Breakthrough Genomics
Classification: Likely benign. Review status: criteria provided, single submitter. Criteria: ACMG Guidelines, 2015. Collection method: not provided. Allele origin: germline. Inheritance: Unknown mechanism. Affected: yes.

PreventionGenetics, part of Exact Sciences
Classification: Likely benign for SIM1-related condition. Last evaluated: 2020-01-31. Review status: no assertion criteria provided. Collection method: clinical testing. Allele origin: germline. Not counted in ClinVar's aggregate classification.
Comment: This variant is classified as likely benign based on ACMG/AMP sequence variant interpretation guidelines (Richards et al. 2015 PMID: 25741868, with internal and published modifications).

NM_005068.3(SIM1):c.390G>A (p.Pro130=)

Gene: SIM1 (SIM bHLH transcription factor 1; minus strand). Cytogenetic location: 6q16.3.
Variant type: single nucleotide variant.
Coding change: c.390G>A on transcript NM_005068.3 (MANE Select); coding-DNA position 390, G replaced by A.
Protein change: p.Pro130=; no amino-acid change (proline 130 retained).
Molecular consequence: synonymous variant.
Genome position (GRCh38, 1-based): chr6:100,449,658, C>T on the plus strand (G>A on the coding strand, the complement: SIM1 is on the minus strand). VCF-style: chr6-100449658-C-T. GRCh37 (hg19) VCF-style: chr6-100897534-C-T.
Other names: c.390G>A, p.Pro130= (NM_001374769.1); c.390G>A (NM_005068.2).
Identifiers: ClinVar variation 1335638 (VCV001335638.37), dbSNP rs150085955, ClinGen allele CA3937328.